The following is an entry in ClinVar:

NM_001378615.1(CC2D2A):c.233G>A (p.Arg78Gln)

Genes: CC2D2A (coiled-coil and C2 domain containing 2A; plus strand), FBXL5 (F-box and leucine rich repeat protein 5; minus strand). Cytogenetic location: 4p15.32.
Variant type: single nucleotide variant.
Coding change: c.233G>A on transcript NM_001378615.1 (MANE Select); coding-DNA position 233, G replaced by A.
Protein change: p.Arg78Gln; replaces arginine 78 with glutamine.
Molecular consequence: missense variant. On other transcripts: synonymous variant (1).
Genome position (GRCh38, 1-based): chr4:15,480,813, G>A. VCF-style: chr4-15480813-G-A. GRCh37 (hg19) VCF-style: chr4-15482437-G-A.
Other names: c.233G>A, p.Arg78Gln (NM_001080522.2, NM_001164720.3); c.86G>A, p.Arg29Gln (NM_001378617.1); c.339G>A, p.Pro113= (NM_020785.2); short protein forms R29Q, R78Q.
Identifiers: ClinVar variation 1419532 (VCV001419532.6), dbSNP rs762718210, ClinGen allele CA2863306.

ClinVar aggregate classification (germline): Uncertain significance. Review status: criteria provided, multiple submitters, no conflicts (2 of 4 stars). 2 submissions from 2 submitters: Uncertain significance (2). Last evaluated 2025-04-20.

Conditions:
Joubert syndrome. Also called: JOUBERT-BOLTSHAUSER SYNDROME; Familial aplasia of the vermis. Identifiers: Orphanet 475, MedGen C5979921, MONDO:0018772.
Meckel-Gruber syndrome. Also called: DYSENCEPHALIA SPLANCHNOCYSTICA; GRUBER SYNDROME; Dysencephalia splachnocystica. Identifiers: Orphanet 564, MedGen C0265215, MONDO:0018921.
Inborn genetic diseases. Identifiers: MedGen C0950123, MeSH D030342.

Allele frequency attached by ClinVar (database versions not stated): gnomAD 0.00001 and 0.00002; gnomAD exomes 0.00002 and 0.00005; TOPMed 0.00002; ExAC 0.00006.
gnomAD v4.1: 75 of 1,612,520 alleles (0.0047%); highest among the groups gnomAD compares: Non-Finnish European, 0.006%; no homozygotes.

Submissions (2):

Ambry Genetics
Classification: Uncertain significance for Inborn genetic diseases. Last evaluated: 2025-04-20. Review status: criteria provided, single submitter. Criteria: Ambry Variant Classification Scheme 2023. Collection method: clinical testing. Allele origin: germline.

Labcorp Genetics (formerly Invitae), Labcorp
Classification: Uncertain significance for Joubert syndrome; Meckel-Gruber syndrome. Last evaluated: 2022-05-05. Review status: criteria provided, single submitter. Criteria: Invitae Variant Classification Sherloc (09022015). Collection method: clinical testing. Allele origin: germline.
Comment: This sequence change replaces arginine, which is basic and polar, with glutamine, which is neutral and polar, at codon 78 of the CC2D2A protein (p.Arg78Gln). This variant is present in population databases (rs762718210, gnomAD 0.006%). This variant has not been reported in the literature in individuals affected with CC2D2A-related conditions. Advanced modeling of protein sequence and biophysical properties (such as structural, functional, and spatial information, amino acid conservation, physicochemical variation, residue mobility, and thermodynamic stability) performed at Invitae indicates that this missense variant is not expected to disrupt CC2D2A protein function. In summary, the available evidence is currently insufficient to determine the role of this variant in disease. Therefore, it has been classified as a Variant of Uncertain Significance.